The following is an entry in ClinVar:

ClinVar aggregate classification (germline): Likely benign (0 of 4 stars; one submission).

Conditions:
CEP152-related disorder. Also called: CEP152-related disorders; CEP152-related condition. Identifiers: MedGen CN239248.

Allele frequency attached by ClinVar (database versions not stated): gnomAD exomes below 0.00001.
gnomAD v4.1: 2 of 1,613,958 alleles (0.00012%); highest among the groups gnomAD compares: African/African-American, 0.0013%; no homozygotes.

Submission:

PreventionGenetics, part of Exact Sciences
Classification: Likely benign for CEP152-related condition. Last evaluated: 2019-08-14. Review status: no assertion criteria provided. Collection method: clinical testing. Allele origin: germline.
Comment: This variant is classified as likely benign based on ACMG/AMP sequence variant interpretation guidelines (Richards et al. 2015 PMID: 25741868, with internal and published modifications).

NM_001194998.2(CEP152):c.1392A>G (p.Ala464=)

Gene: CEP152 (centrosomal protein 152; minus strand). Cytogenetic location: 15q21.1.
Variant type: single nucleotide variant.
Coding change: c.1392A>G on transcript NM_001194998.2 (MANE Select); coding-DNA position 1392, A replaced by G.
Protein change: p.Ala464=; no amino-acid change (alanine 464 retained).
Molecular consequence: synonymous variant.
Genome position (GRCh38, 1-based): chr15:48,782,160, T>C on the plus strand (A>G on the coding strand, the complement: CEP152 is on the minus strand). VCF-style: chr15-48782160-T-C. GRCh37 (hg19) VCF-style: chr15-49074357-T-C.
Other names: c.1392A>G, p.Ala464= (NM_014985.4).
Identifiers: ClinVar variation 3052567 (VCV003052567.2), dbSNP rs746288955, ClinGen allele CA269562270.